The following is an entry in ClinVar:

NM_018706.7(DHTKD1):c.1542G>T (p.Gln514His)

Gene: DHTKD1 (dehydrogenase E1 and transketolase domain containing 1; plus strand). Cytogenetic location: 10p14.
Variant type: single nucleotide variant.
Coding change: c.1542G>T on transcript NM_018706.7 (MANE Select); coding-DNA position 1542, G replaced by T.
Protein change: p.Gln514His; replaces glutamine 514 with histidine.
Molecular consequence: missense variant.
Genome position (GRCh38, 1-based): chr10:12,097,867, G>T. VCF-style: chr10-12097867-G-T. GRCh37 (hg19) VCF-style: chr10-12139866-G-T.
Other names: short protein forms Q514H.
Identifiers: ClinVar variation 3014853 (VCV003014853.3), dbSNP rs2491491838, ClinGen allele CA376021517.

ClinVar aggregate classification (germline): Uncertain significance (1 of 4 stars; one submission).

Conditions:
2-aminoadipic 2-oxoadipic aciduria (AAKAD). Also called: Aminoadipic aciduria; ALPHA-AMINOADIPIC AND ALPHA-KETOADIPIC ACIDURIA. Identifiers: Orphanet 79154, MedGen C1859817, MONDO:0008774, OMIM 204750.

gnomAD v4.1: 9 of 1,614,180 alleles (0.00056%); highest among the groups gnomAD compares: Non-Finnish European, 0.00076%; no homozygotes.

Submission:

Labcorp Genetics (formerly Invitae), Labcorp
Classification: Uncertain significance for 2-aminoadipic 2-oxoadipic aciduria. Last evaluated: 2022-11-09. Review status: criteria provided, single submitter. Criteria: Invitae Variant Classification Sherloc (09022015). Collection method: clinical testing. Allele origin: germline.
Comment: Algorithms developed to predict the effect of missense changes on protein structure and function (SIFT, PolyPhen-2, Align-GVGD) all suggest that this variant is likely to be tolerated. In summary, the available evidence is currently insufficient to determine the role of this variant in disease. Therefore, it has been classified as a Variant of Uncertain Significance. This variant has not been reported in the literature in individuals affected with DHTKD1-related conditions. This sequence change replaces glutamine, which is neutral and polar, with histidine, which is basic and polar, at codon 514 of the DHTKD1 protein (p.Gln514His). This variant is not present in population databases (gnomAD no frequency).